The following is an entry in ClinVar:

ClinVar aggregate classification (germline): Benign/Likely benign. Review status: criteria provided, multiple submitters, no conflicts (2 of 4 stars). 3 submissions from 2 submitters: Benign (2); Likely benign (1). Last evaluated 2018-01-13.

Conditions:
Maturity-onset diabetes of the young (MODY). Also called: Maturity onset diabetes mellitus in young. Identifiers: Orphanet 552, MedGen C0342276, MONDO:0018911, HP:0004904.
Maturity-onset diabetes of the young type 1. Also called: MODY type 1; Diabetes mellitus MODY type 1; MODY HNF4A related; MILD JUVENILE DIABETES MELLITUS; HNF4A-Related Maturity-Onset Diabetes of the Young Type 1; MODY, type I. Identifiers: Orphanet 552, MedGen C1852093, MONDO:0007452, OMIM 125850. Disease mechanism: loss of function.
Familial hyperinsulinism. Also called: Congenital hyperinsulinism. Identifiers: Orphanet 276525, MedGen C3888018, MONDO:0017182. Disease mechanism: loss of function.

Allele frequency attached by ClinVar (database versions not stated): gnomAD 0.00211 and 0.00220; TOPMed 0.00235; 1000 Genomes Project 30x 0.00359; 1000 Genomes Project 0.00379.

Submissions (3):

Illumina Laboratory Services, Illumina
Classification: Likely benign for Familial hyperinsulinism. Last evaluated: 2018-01-13. Review status: criteria provided, single submitter. Criteria: ICSL Variant Classification Criteria 13 December 2019. Collection method: clinical testing. Allele origin: germline.
Comment: This variant was observed in the ICSL laboratory as part of a predisposition screen in an ostensibly healthy population. It had not been previously curated by ICSL or reported in the Human Gene Mutation Database (HGMD: prior to June 1st, 2018), and was therefore a candidate for classification through an automated scoring system. Utilizing variant allele frequency, disease prevalence and penetrance estimates, and inheritance mode, an automated score was calculated to assess if this variant is too frequent to cause the disease. Based on the score and internal cut-off values, a variant classified as likely benign is not then subjected to further curation. The score for this variant resulted in a classification of likely benign for this disease.

Illumina Laboratory Services, Illumina
Classification: Benign for Maturity-onset diabetes of the young type 1. Last evaluated: 2018-01-13. Review status: criteria provided, single submitter. Criteria: ICSL Variant Classification Criteria 13 December 2019. Collection method: clinical testing. Allele origin: germline.
Comment: This variant was observed in the ICSL laboratory as part of a predisposition screen in an ostensibly healthy population. It had not been previously curated by ICSL or reported in the Human Gene Mutation Database (HGMD: prior to June 1st, 2018), and was therefore a candidate for classification through an automated scoring system. Utilizing variant allele frequency, disease prevalence and penetrance estimates, and inheritance mode, an automated score was calculated to assess if this variant is too frequent to cause the disease. Based on the score and internal cut-off values, a variant classified as benign is not then subjected to further curation. The score for this variant resulted in a classification of benign for this disease.

Clinical Genomics, Uppaluri K&H Personalized Medicine Clinic
Classification: Benign for Maturity-onset diabetes of the young. Review status: criteria provided, single submitter. Criteria: K & H Uppaluri Personalized Medicine Clinic Variant Classification & Assertion Criteria_Updated V.1. Collection method: research. Allele origin: unknown. Inheritance: Autosomal dominant inheritance.
Comment: Potent mutations in HNF4A are associated with poor insulin secretion in response to hyperglycemia. Associated with MODY1. Patients initially respond well to sulfonylureas but eventually become insulin dependent. However, more evidence is required to ascertain the role of this particular variant rs142417840 in MODY, yet.

Literature cited by the submitters: DOI 10.1159/000334532 (cited by Clinical Genomics, Uppaluri K&H Personalized Medicine Clinic); PubMed 18268044 (cited by Clinical Genomics, Uppaluri K&H Personalized Medicine Clinic); PubMed 17563455 (cited by Clinical Genomics, Uppaluri K&H Personalized Medicine Clinic); PubMed 32583173 (cited by Clinical Genomics, Uppaluri K&H Personalized Medicine Clinic); PubMed 35052457 (cited by Clinical Genomics, Uppaluri K&H Personalized Medicine Clinic); PubMed 35118593 (cited by Clinical Genomics, Uppaluri K&H Personalized Medicine Clinic).

NM_175914.5(HNF4A):c.*568G>A

Gene: HNF4A (hepatocyte nuclear factor 4 alpha; plus strand). Cytogenetic location: 20q13.12.
Variant type: single nucleotide variant.
Coding change: c.*568G>A on transcript NM_175914.5 (MANE Select); 568 bases downstream of the stop codon, G replaced by A.
Molecular consequence: 3 prime UTR variant.
Genome position (GRCh38, 1-based): chr20:44,430,233, G>A. VCF-style: chr20-44430233-G-A. GRCh37 (hg19) VCF-style: chr20-43058873-G-A.
Other names: c.*568G>A (NM_000457.6, NM_001030003.3, NM_001258355.2 and 3 more transcripts).
Identifiers: ClinVar variation 895325 (VCV000895325.5), dbSNP rs142417840, ClinGen allele CA315421354.